The following is an entry in ClinVar:

NM_017654.4(SAMD9):c.2718A>T (p.Lys906Asn)

Gene: SAMD9 (sterile alpha motif domain containing 9; minus strand). Cytogenetic location: 7q21.2.
Variant type: single nucleotide variant.
Coding change: c.2718A>T on transcript NM_017654.4 (MANE Select); coding-DNA position 2718, A replaced by T.
Protein change: p.Lys906Asn; replaces lysine 906 with asparagine.
Molecular consequence: missense variant.
Genome position (GRCh38, 1-based): chr7:93,103,380, T>A on the plus strand (A>T on the coding strand, the complement: SAMD9 is on the minus strand). VCF-style: chr7-93103380-T-A. GRCh37 (hg19) VCF-style: chr7-92732693-T-A.
Other names: c.2718A>T, p.Lys906Asn (NM_001193307.2); short protein forms K906N.
Identifiers: ClinVar variation 3949705 (VCV003949705.1).
Genomic context (GRCh38, chr7:93,103,380, plus strand): 5'-TGAATTAAGAAGAGCCAGAAAAGAAAAGAGCTTTGCTTCCTTGGTGAAAATATTCTGCCC[T>A]TTCAGGATATTCCGGACCACATTTTCTATGTATTCTTTATTAAAATTGGTTTTCATGATC-3'
Protein context (NP_060124.2, residues 896-916): YIENVVRNIL[Lys906Asn]GQNIFTKEAK

ClinVar aggregate classification (germline): Uncertain significance (1 of 4 stars; one submission).

Conditions:
Inborn genetic diseases. Identifiers: MedGen C0950123, MeSH D030342.

Submission:

Ambry Genetics
Classification: Uncertain significance for Inborn genetic diseases. Last evaluated: 2025-06-07. Review status: criteria provided, single submitter. Criteria: Ambry Variant Classification Scheme 2023. Collection method: clinical testing. Allele origin: germline.
Comment: The p.K906N variant (also known as c.2718A>T), located in coding exon 1 of the SAMD9 gene, results from an A to T substitution at nucleotide position 2718. The lysine at codon 906 is replaced by asparagine, an amino acid with similar properties. This amino acid position is conserved. In addition, this alteration is predicted to be tolerated by in silico analysis. Based on the available evidence, the clinical significance of this variant remains unclear.